The following is an entry in ClinVar:

NM_003482.4(KMT2D):c.1920_1946del (p.Glu641_Glu649del)

Gene: KMT2D (lysine methyltransferase 2D; minus strand). Cytogenetic location: 12q13.12.
Variant type: Deletion.
Coding change: c.1920_1946del on transcript NM_003482.4 (MANE Select); coding-DNA positions 1920 to 1946, 27 bases deleted (AGAATCACCTATGTCCCCCCCACCTGA).
Protein change: p.Glu641_Glu649del.
Molecular consequence: inframe deletion.
Genome position (GRCh38, 1-based): chr12:49,051,737-49,051,763, TCAGGTGGGGGGGACATAGGTGATTCT deleted on the plus strand (AGAATCACCTATGTCCCCCCCACCTGA on the coding strand, the reverse complement: KMT2D is on the minus strand); deleting any 27 consecutive bases within chr12:49,051,737-49,051,771 gives the same sequence; the c. name uses the placement nearest the transcript's 3' end. VCF-style (leftmost placement, unchanged base first): chr12-49051736-CTCAGGTGGGGGGGACATAGGTGATTCT-C. GRCh37 (hg19) VCF-style: chr12-49445519-CTCAGGTGGGGGGGACATAGGTGATTCT-C.
Other names: c.1920_1946del27 (NM_003482.3); c.1920_1946del (NM_003482.3).
Identifiers: ClinVar variation 1394496 (VCV001394496.7), dbSNP rs749016361, ClinGen allele CA6548386.

ClinVar aggregate classification (germline): Uncertain significance. Review status: criteria provided, multiple submitters, no conflicts (2 of 4 stars). 3 submissions from 3 submitters: Uncertain significance (3). Last evaluated 2026-01-01.

Conditions:
Kabuki syndrome. Also called: Kabuki make-up syndrome; NIIKAWA-KUROKI SYNDROME. Identifiers: Orphanet 2322, MedGen C0796004, MONDO:0016512.
KMT2D-related disorder. Also called: KMT2D-Related Disorders.

Submissions (3):

Labcorp Genetics (formerly Invitae), Labcorp
Classification: Uncertain significance for Kabuki syndrome. Last evaluated: 2026-01-01. Review status: criteria provided, single submitter. Criteria: Invitae Variant Classification Sherloc (09022015). Collection method: clinical testing. Allele origin: germline.
Comment: This variant, c.1920_1946del, results in the deletion of 9 amino acid(s) of the KMT2D protein (p.Glu641_Glu649del), but otherwise preserves the integrity of the reading frame. This variant is present in population databases (rs749016361, gnomAD 0.004%). This variant has not been reported in the literature in individuals affected with KMT2D-related conditions. ClinVar contains an entry for this variant (Variation ID: 1394496). Experimental studies and prediction algorithms are not available or were not evaluated, and the functional significance of this variant is currently unknown. In summary, the available evidence is currently insufficient to determine the role of this variant in disease. Therefore, it has been classified as a Variant of Uncertain Significance.

GeneDx
Classification: Uncertain significance. Last evaluated: 2024-03-24. Review status: criteria provided, single submitter. Criteria: GeneDx Variant Classification Process June 2021. Collection method: clinical testing. Allele origin: germline. Affected: yes.
Comment: In-frame deletion of 9 amino acids in a non-repeat region; In silico analysis supports that this variant does not alter protein structure/function; Has not been previously published as pathogenic or benign to our knowledge

PreventionGenetics, part of Exact Sciences
Classification: Uncertain significance for KMT2D-related condition. Last evaluated: 2023-08-07. Review status: criteria provided, single submitter. Criteria: ACMG Guidelines, 2015. Collection method: clinical testing. Allele origin: germline.
Comment: The KMT2D c.1920_1946del27 variant is predicted to result in an in-frame deletion (p.Glu641_Glu649del). To our knowledge, this variant has not been reported in the literature. This variant is reported in 0.0040% of alleles in individuals of European (Non-Finnish) descent in gnomAD. At this time, the clinical significance of this variant is uncertain due to the absence of conclusive functional and genetic evidence.